The following is an entry in ClinVar:

NM_001365999.1(SZT2):c.9630C>T (p.Arg3210=)

Genes: SZT2 (SZT2 subunit of KICSTOR complex; plus strand), SZT2-AS1 (SZT2 antisense RNA 1; minus strand). Cytogenetic location: 1p34.2.
Variant type: single nucleotide variant.
Coding change: c.9630C>T on transcript NM_001365999.1 (MANE Select); coding-DNA position 9630, C replaced by T.
Protein change: p.Arg3210=; no amino-acid change (arginine 3210 retained).
Molecular consequence: synonymous variant. On other transcripts: non-coding transcript variant (1).
Genome position (GRCh38, 1-based): chr1:43,448,145, C>T. VCF-style: chr1-43448145-C-T. GRCh37 (hg19) VCF-style: chr1-43913816-C-T.
Other names: c.9459C>T, p.Arg3153= (NM_015284.4).
Identifiers: ClinVar variation 702925 (VCV000702925.13), dbSNP rs773985024, ClinGen allele CA810982.
Genomic context (GRCh38, chr1:43,448,145, plus strand): 5'-GTTCTTCGTGGTGCTCACCAGCCAGCGAGAGCTCTTCCCCAGGCTCACTGCTGACATGCG[C>T]CGCTTCCGGAAGCCACCCAGACTGCCCCCTGAGCCAGAGGCTCCTGGGAGTTCAGCTGGC-3'
Protein context (NP_001352928.1, residues 3200-3220): ELFPRLTADM[Arg3210=]RFRKPPRLPP

ClinVar aggregate classification (germline): Likely benign. Review status: criteria provided, multiple submitters, no conflicts (2 of 4 stars). 4 submissions from 4 submitters: Likely benign (3). 1 of the submissions does not count toward it. Last evaluated 2025-11-13.

Conditions:
SZT2-related disorder. Also called: SZT2-related condition.
Inborn genetic diseases. Identifiers: MedGen C0950123, MeSH D030342.
Developmental and epileptic encephalopathy, 18 (DEE18). Also called: Early infantile epileptic encephalopathy 18. Identifiers: Orphanet 369894, MedGen C3809624, MONDO:0014201, OMIM 615476.

Allele frequency attached by ClinVar (database versions not stated): gnomAD exomes 0.00001 and 0.00003; ExAC 0.00004; gnomAD 0.00011 and 0.00012; TOPMed 0.00013.
gnomAD v4.1: 28 of 1,609,714 alleles (0.0017%); highest among the groups gnomAD compares: African/African-American, 0.033%; no homozygotes.

Submissions (4):

Labcorp Genetics (formerly Invitae), Labcorp
Classification: Likely benign. Last evaluated: 2025-11-13. Review status: criteria provided, single submitter. Criteria: Invitae Variant Classification Sherloc (09022015). Collection method: clinical testing. Allele origin: germline.

Genome-Nilou Lab
Classification: Likely benign for Developmental and epileptic encephalopathy, 18. Last evaluated: 2023-04-11. Review status: criteria provided, single submitter. Criteria: ACMG Guidelines, 2015. Collection method: clinical testing. Allele origin: germline. Affected: no.

Ambry Genetics
Classification: Likely benign for Inborn genetic diseases. Last evaluated: 2019-10-30. Review status: criteria provided, single submitter. Criteria: Ambry Variant Classification Scheme 2023. Collection method: clinical testing. Allele origin: germline.

PreventionGenetics, part of Exact Sciences
Classification: Likely benign for SZT2-related condition. Last evaluated: 2023-04-17. Review status: no assertion criteria provided. Collection method: clinical testing. Allele origin: germline. Not counted in ClinVar's aggregate classification.
Comment: This variant is classified as likely benign based on ACMG/AMP sequence variant interpretation guidelines (Richards et al. 2015 PMID: 25741868, with internal and published modifications).